The following is an entry in ClinVar:

ClinVar aggregate classification (germline): Uncertain significance (1 of 4 stars; one submission).

Conditions:
Hereditary cancer-predisposing syndrome. Also called: Tumor predisposition; Neoplastic Syndromes, Hereditary; Hereditary Cancer Syndrome; Hereditary neoplastic syndrome. Identifiers: Orphanet 140162, MedGen C0027672, MeSH D009386, MONDO:0015356.

Submission:

Ambry Genetics
Classification: Uncertain significance for Hereditary cancer-predisposing syndrome. Last evaluated: 2024-12-27. Review status: criteria provided, single submitter. Criteria: Ambry Variant Classification Scheme 2023. Collection method: clinical testing. Allele origin: germline.
Comment: The p.V588L variant (also known as c.1762G>T), located in coding exon 14 of the APC gene, results from a G to T substitution at nucleotide position 1762. The valine at codon 588 is replaced by leucine, an amino acid with highly similar properties. Missense alterations in APC are not a common cause of disease (Spier I et al. Genet Med. 2024 Feb;26(2):100992). This amino acid position is highly conserved in available vertebrate species. In addition, in silico predictors for this gene do not accurately predict pathogenicity. Based on the available evidence, the clinical significance of this variant remains unclear.

NM_000038.6(APC):c.1762G>T (p.Val588Leu)

Gene: APC (APC regulator of Wnt signaling pathway; plus strand). Cytogenetic location: 5q22.2.
Variant type: single nucleotide variant.
Coding change: c.1762G>T on transcript NM_000038.6 (MANE Select); coding-DNA position 1762, G replaced by T.
Protein change: p.Val588Leu; replaces valine 588 with leucine.
Molecular consequence: missense variant. On other transcripts: non-coding transcript variant (2).
Genome position (GRCh38, 1-based): chr5:112,834,969, G>T. VCF-style: chr5-112834969-G-T. GRCh37 (hg19) VCF-style: chr5-112170666-G-T.
Other names: c.1762G>T, p.Val588Leu (NM_001127510.3, NM_001354895.2, NM_001407450.1); c.1708G>T, p.Val570Leu (NM_001127511.3); c.1816G>T, p.Val606Leu (NM_001354896.2, NM_001407447.1, NM_001407448.1 and 1 more transcripts); c.1792G>T, p.Val598Leu (NM_001354897.2); c.1687G>T, p.Val563Leu (NM_001354898.2); c.1678G>T, p.Val560Leu (NM_001354899.2); c.1639G>T, p.Val547Leu (NM_001354900.2); c.1585G>T, p.Val529Leu (NM_001354901.2, NM_001407453.1); and 11 more; short protein forms V459L, V505L, V570L, V598L, V616L, V428L, V497L, V578L.
Identifiers: ClinVar variation 3881051 (VCV003881051.1).